The following is an entry in ClinVar:

NM_001031689.3(PLAA):c.1370G>C (p.Gly457Ala)

Gene: PLAA (phospholipase A2 activating protein; minus strand). Cytogenetic location: 9p21.2.
Variant type: single nucleotide variant.
Coding change: c.1370G>C on transcript NM_001031689.3 (MANE Select); coding-DNA position 1370, G replaced by C.
Protein change: p.Gly457Ala; replaces glycine 457 with alanine.
Molecular consequence: missense variant.
Genome position (GRCh38, 1-based): chr9:26,919,357, C>G on the plus strand (G>C on the coding strand, the complement: PLAA is on the minus strand). VCF-style: chr9-26919357-C-G. GRCh37 (hg19) VCF-style: chr9-26919355-C-G.
Other names: c.1370G>C, p.Gly457Ala (NM_001321546.2); short protein forms G457A.
Identifiers: ClinVar variation 1033217 (VCV001033217.7), dbSNP rs771430604, ClinGen allele CA5014409.

ClinVar aggregate classification (germline): Uncertain significance. Review status: criteria provided, multiple submitters, no conflicts (2 of 4 stars). 4 submissions from 4 submitters: Uncertain significance (4). Last evaluated 2025-12-15.

Conditions:
Neurodevelopmental disorder with progressive microcephaly, spasticity, and brain anomalies. Identifiers: Orphanet 521426, MedGen C4479631, MONDO:0060502, OMIM 617527.
Inborn genetic diseases. Identifiers: MedGen C0950123, MeSH D030342.

Allele frequency attached by ClinVar (database versions not stated): gnomAD 0.00001; TOPMed 0.00002; gnomAD exomes 0.00009; ExAC 0.00010.
gnomAD v4.1: 52 of 1,612,262 alleles (0.0032%); highest among the groups gnomAD compares: Middle Eastern, 0.038%; no homozygotes.

Submissions (4):

Ambry Genetics
Classification: Uncertain significance for Inborn genetic diseases. Last evaluated: 2025-12-15. Review status: criteria provided, single submitter. Criteria: Ambry Variant Classification Scheme 2023. Collection method: clinical testing. Allele origin: germline.

Genomic Medicine Center of Excellence, King Faisal Specialist Hospital and Research Centre
Classification: Uncertain significance for Neurodevelopmental disorder with progressive microcephaly, spasticity, and brain anomalies. Last evaluated: 2024-03-26. Review status: criteria provided, single submitter. Criteria: ACMG Guidelines, 2015. Collection method: clinical testing. Allele origin: germline.

Labcorp Genetics (formerly Invitae), Labcorp
Classification: Uncertain significance. Last evaluated: 2022-06-13. Review status: criteria provided, single submitter. Criteria: Invitae Variant Classification Sherloc (09022015). Collection method: clinical testing. Allele origin: germline.
Comment: This sequence change replaces glycine, which is neutral and non-polar, with alanine, which is neutral and non-polar, at codon 457 of the PLAA protein (p.Gly457Ala). This variant is present in population databases (rs771430604, gnomAD 0.03%). This variant has not been reported in the literature in individuals affected with PLAA-related conditions. ClinVar contains an entry for this variant (Variation ID: 1033217). Algorithms developed to predict the effect of missense changes on protein structure and function (SIFT, PolyPhen-2, Align-GVGD) all suggest that this variant is likely to be disruptive. In summary, the available evidence is currently insufficient to determine the role of this variant in disease. Therefore, it has been classified as a Variant of Uncertain Significance.

Baylor Genetics
Classification: Uncertain significance for Neurodevelopmental disorder with progressive microcephaly, spasticity, and brain anomalies. Last evaluated: 2018-01-17. Review status: criteria provided, single submitter. Criteria: ACMG Guidelines, 2015. Collection method: clinical testing. Allele origin: maternal. Affected: yes.
Comment: This variant was determined to be of uncertain significance according to ACMG Guidelines, 2015 [PMID:25741868].